The following is an entry in ClinVar:

ClinVar aggregate classification (germline): Uncertain significance (1 of 4 stars; one submission).

Conditions:
Welander distal myopathy (WDM). Also called: Welander distal myopathy, Swedish type; Distal myopathy, Swedish type; Gower's muscular dystrophy; MUSCULAR DYSTROPHY, DISTAL, LATE-ONSET, AUTOSOMAL DOMINANT. Identifiers: Orphanet 603, MedGen C0221054, MONDO:0011466, OMIM 604454.

Submission:

Labcorp Genetics (formerly Invitae), Labcorp
Classification: Uncertain significance for Welander distal myopathy. Last evaluated: 2022-08-08. Review status: criteria provided, single submitter. Criteria: Invitae Variant Classification Sherloc (09022015). Collection method: clinical testing. Allele origin: germline.
Comment: In summary, the available evidence is currently insufficient to determine the role of this variant in disease. Therefore, it has been classified as a Variant of Uncertain Significance. Algorithms developed to predict the effect of sequence changes on RNA splicing suggest that this variant may create or strengthen a splice site. This variant has not been reported in the literature in individuals affected with TIA1-related conditions. This variant is not present in population databases (gnomAD no frequency). This sequence change falls in intron 3 of the TIA1 gene. It does not directly change the encoded amino acid sequence of the TIA1 protein.

NM_022173.4(TIA1):c.223-6_223-3del

Gene: TIA1 (TIA1 cytotoxic granule associated RNA binding protein; minus strand). Cytogenetic location: 2p13.3.
Variant type: Deletion.
Coding change: c.223-6_223-3del on transcript NM_022173.4 (MANE Select); 6 bases into the intron before coding-DNA position 223 through 3 bases into the intron before coding-DNA position 223, 4 bases deleted (TTTT; older notation c.223-6_223-3delTTTT).
Molecular consequence: intron variant.
Genome position (GRCh38, 1-based): chr2:70,229,321-70,229,324, AAAA deleted on the plus strand (TTTT on the coding strand, the reverse complement: TIA1 is on the minus strand); deleting any 4 consecutive bases within chr2:70,229,321-70,229,332 gives the same sequence; the c. name uses the placement nearest the transcript's 3' end. VCF-style (leftmost placement, unchanged base first): chr2-70229320-TAAAA-T. GRCh37 (hg19) VCF-style: chr2-70456452-TAAAA-T.
Other names: c.112-6_112-3del (NM_001351513.1, NM_001351511.1); c.118-6_118-3del (NM_001351512.1); c.28-6_28-3del (NM_001351514.2, NM_001351523.2); c.-198-6_-198-3del (NM_001351524.2); c.-421-6_-421-3del (NM_001351517.2); c.223-6_223-3del (NM_001351510.2, NM_022037.4, NM_001351508.2 and 5 more transcripts); c.-231-6_-231-3del (NM_001351525.2); c.-167-6_-167-3del (NM_001351515.2); and 1 more.
Identifiers: ClinVar variation 2182944 (VCV002182944.5), dbSNP rs750862626, ClinGen allele CA892537843.